The following is an entry in ClinVar:

NM_133379.5(TTN):c.10648C>T (p.Arg3550Trp)

Gene: TTN (titin; minus strand). Cytogenetic location: 2q31.2.
Variant type: single nucleotide variant.
Coding change: c.10648C>T on transcript NM_133379.5; coding-DNA position 10648, C replaced by T.
Protein change: p.Arg3550Trp; replaces arginine 3550 with tryptophan.
Molecular consequence: missense variant. On other transcripts: intron variant (6).
Genome position (GRCh38, 1-based): chr2:178,751,752, G>A on the plus strand (C>T on the coding strand, the complement: TTN is on the minus strand). VCF-style: chr2-178751752-G-A. GRCh37 (hg19) VCF-style: chr2-179616479-G-A.
Other names: p.R3550W:CGG>TGG; c.10222+1372C>T (NM_003319.4); c.10798+1372C>T (NM_133437.4); c.10597+1372C>T (NM_133432.3); c.10360+1372C>T (NM_133378.4, NM_001256850.1); c.11311+1372C>T (NM_001267550.2); c.10648C>T (NM_133379.4); short protein forms R3550W.
Identifiers: ClinVar variation 47729 (VCV000047729.13), dbSNP rs141407971, ClinGen allele CA284422.

ClinVar aggregate classification (germline): Benign/Likely benign. Review status: criteria provided, multiple submitters, no conflicts (2 of 4 stars). 7 submissions from 7 submitters: Benign (2); Likely benign (5). Last evaluated 2025-04-09.

Allele frequency attached by ClinVar (database versions not stated): gnomAD exomes 0.00018 and 0.00042; ExAC 0.00055; gnomAD 0.00185 and 0.00198; ESP Exome Variant Server 0.00192; TOPMed 0.00211; 1000 Genomes Project 30x 0.00234; 1000 Genomes Project 0.00260.
gnomAD v4.1: 549 of 1,613,038 alleles (0.034%); highest among the groups gnomAD compares: African/African-American, 0.59%; 1 homozygote.

Submissions (7):

Molecular Diagnostic Laboratory for Inherited Cardiovascular Disease, Montreal Heart Institute
Classification: Benign. Last evaluated: 2025-04-09. Review status: criteria provided, single submitter. Criteria: ACMG Guidelines, 2015. Collection method: clinical testing. Allele origin: germline. Affected: no.

Blueprint Genetics
Classification: Likely benign. Last evaluated: 2024-06-19. Review status: criteria provided, single submitter. Criteria: ACMG Guidelines, 2015. Collection method: clinical testing. Allele origin: germline.

ARUP Laboratories, Molecular Genetics and Genomics, ARUP Laboratories
Classification: Likely benign. Last evaluated: 2023-10-16. Review status: criteria provided, single submitter. Criteria: ARUP Molecular Germline Variant Investigation Process 2024. Collection method: clinical testing. Allele origin: germline.

Eurofins Ntd Llc (ga)
Classification: Likely benign. Last evaluated: 2016-12-05. Review status: criteria provided, single submitter. Criteria: EGL Classification Definitions 2015. Collection method: clinical testing. Allele origin: germline. Observed: 1 variant allele, 1 heterozygote.

GeneDx
Classification: Benign. Last evaluated: 2014-07-08. Review status: criteria provided, single submitter. Criteria: GeneDx Variant Classification (06012015). Collection method: clinical testing. Allele origin: germline. Affected: yes.
Comment: This variant is considered likely benign or benign based on one or more of the following criteria: it is a conservative change, it occurs at a poorly conserved position in the protein, it is predicted to be benign by multiple in silico algorithms, and/or has population frequency not consistent with disease.

Laboratory for Molecular Medicine, Mass General Brigham Personalized Medicine
Classification: Likely benign. Last evaluated: 2012-04-03. Review status: criteria provided, single submitter. Criteria: LMM Criteria. Collection method: clinical testing. Allele origin: germline. Observed: 4 variant alleles.
Comment: Arg3550Trp in exon 45A of TTN: This variant is not expected to have clinical sig nificance because it has been identified in 0.45% (17/3738) of African American chromosomes from a broad population by the NHLBI Exome Sequencing Project (dbSNP rs141407971). Arg3550Trp in exon 45A of TT N (rs141407971, allele frequency = 0.45%, 17/3738) **

Breakthrough Genomics
Classification: Likely benign. Review status: criteria provided, single submitter. Criteria: ACMG Guidelines, 2015. Collection method: not provided. Allele origin: germline. Inheritance: Autosomal recessive inheritance. Affected: yes.